The following is an entry in ClinVar:

NM_001845.6(COL4A1):c.388-14T>G

Gene: COL4A1 (collagen type IV alpha 1 chain; minus strand). Cytogenetic location: 13q34.
Variant type: single nucleotide variant.
Coding change: c.388-14T>G on transcript NM_001845.6 (MANE Select); 14 bases into the intron before coding-DNA position 388, T replaced by G.
Molecular consequence: intron variant.
Genome position (GRCh38, 1-based): chr13:110,211,936, A>C on the plus strand (T>G on the coding strand, the complement: COL4A1 is on the minus strand). VCF-style: chr13-110211936-A-C. GRCh37 (hg19) VCF-style: chr13-110864283-A-C.
Other names: c.388-14T>G (NM_001303110.2).
Identifiers: ClinVar variation 2820384 (VCV002820384.3), dbSNP rs556098689, ClinGen allele CA2739277727.

ClinVar aggregate classification (germline): Uncertain significance (1 of 4 stars; one submission).

Submission:

Labcorp Genetics (formerly Invitae), Labcorp
Classification: Uncertain significance. Last evaluated: 2022-12-12. Review status: criteria provided, single submitter. Criteria: Invitae Variant Classification Sherloc (09022015). Collection method: clinical testing. Allele origin: germline.
Comment: This sequence change falls in intron 6 of the COL4A1 gene. It does not directly change the encoded amino acid sequence of the COL4A1 protein. This variant is not present in population databases (gnomAD no frequency). This variant has not been reported in the literature in individuals affected with COL4A1-related conditions. Algorithms developed to predict the effect of sequence changes on RNA splicing suggest that this variant may disrupt the consensus splice site. In summary, the available evidence is currently insufficient to determine the role of this variant in disease. Therefore, it has been classified as a Variant of Uncertain Significance.